The following is an entry in ClinVar:

NM_000199.5(SGSH):c.1339G>A (p.Glu447Lys)

Gene: SGSH (N-sulfoglucosamine sulfohydrolase; minus strand). Cytogenetic location: 17q25.3.
Variant type: single nucleotide variant.
Coding change: c.1339G>A on transcript NM_000199.5 (MANE Select); coding-DNA position 1339, G replaced by A.
Protein change: p.Glu447Lys; replaces glutamic acid 447 with lysine.
Molecular consequence: missense variant. On other transcripts: 3 prime UTR variant (2), non-coding transcript variant (1).
Genome position (GRCh38, 1-based): chr17:80,210,622, C>T on the plus strand (G>A on the coding strand, the complement: SGSH is on the minus strand). VCF-style: chr17-80210622-C-T. GRCh37 (hg19) VCF-style: chr17-78184421-C-T.
Other names: c.*426G>A (NM_001352921.3); c.*389G>A (NM_001352922.2); short protein forms E447K.
Identifiers: ClinVar variation 5114 (VCV000005114.52), dbSNP rs104894639, ClinGen allele CA117263.
Genomic context (GRCh38, chr17:80,210,622, plus strand): 5'-GGTCCCGAAGCATCTCCAGAAGCTGAGCAAAGCGCGGGTCGGTGGCCAGGTTCTGGGTCT[C>T]GTGGGGGTCCCGGCTCCGGTCGTAGAGCTCCCAGCGCGCCCGGTAGTAGTAATGACGGAG-3'
Protein context (NP_000190.1, residues 437-457): ELYDRSRDPH[Glu447Lys]TQNLATDPRF

ClinVar aggregate classification (germline): Pathogenic/Likely pathogenic. Review status: criteria provided, multiple submitters, no conflicts (2 of 4 stars). 17 submissions from 17 submitters: Pathogenic (8); Likely pathogenic (7). 2 of the submissions do not count toward it. Last evaluated 2026-09-03.

Conditions:
SGSH-related disorder. Also called: SGSH-related condition.
Inborn genetic diseases. Identifiers: MedGen C0950123, MeSH D030342.
Mucopolysaccharidosis, MPS-III-A (MPS3A). Also called: HEPARAN SULFATE SULFATASE DEFICIENCY; MPS III A; mucopolysaccharidosis type 3A; Mucopolysaccharidosis type IIIA (Sanfilippo A); MUCOPOLYSACCHARIDOSIS, TYPE IIIA, ATTENUATED; MPS IIIA (Sanfilippo Syndrome Type A). Identifiers: Orphanet 581, Orphanet 79269, MedGen C0086647, MONDO:0009655, OMIM 252900.

Allele frequency attached by ClinVar (database versions not stated): ExAC 0.00003; TOPMed 0.00004; gnomAD 0.00003; gnomAD exomes 0.00007.
gnomAD v4.1: 38 of 1,613,584 alleles (0.0024%); highest among the groups gnomAD compares: Admixed American, 0.03%; no homozygotes.

Submissions 1 to 8 of 17:

PreventionGenetics, part of Exact Sciences
Classification: Likely pathogenic for SGSH-related condition. Last evaluated: 2026-09-03. Review status: criteria provided, single submitter. Criteria: ACMG Guidelines, 2015. Collection method: clinical testing. Allele origin: germline.
Comment: The SGSH c.1339G>A variant is predicted to result in the amino acid substitution p.Glu447Lys. This variant has been reported in the homozygous state or presumed compound heterozygous state with a second SGSH variant in multiple individuals with mucopolysaccharidosis type IIIA (MPS-IIIA) / Sanfilippo A syndrome (Blanch et al. 1997. PubMed ID: 9158154; Chabás et al. 2001. PubMed ID: 11343308; Zhang et al. 2008. PubMed ID: 19099774; Shapiro et al. 2016. PubMed ID: 26787381; Zanetti et al. 2019. PubMed ID: 30809705). In vitro studies showed an absence of enzymatic activity in homozygous patient fibroblasts (Matalonga et al. 2014. PubMed ID: 24347096). This variant is reported in 0.037% of alleles in individuals of Latino descent in gnomAD. Taken together, this variant is interpreted as likely pathogenic.

Ambry Genetics
Classification: Pathogenic for Inborn genetic diseases. Last evaluated: 2026-01-27. Review status: criteria provided, single submitter. Criteria: Ambry Variant Classification Scheme 2023. Collection method: clinical testing. Allele origin: germline.
Comment: The c.1339G>A (p.E447K) alteration is located in exon 8 (coding exon 8) of the SGSH gene. This alteration results from a G to A substitution at nucleotide position 1339, causing the glutamic acid (E) at amino acid position 447 to be replaced by a lysine (K). Based on data from gnomAD, the A allele has an overall frequency of 0.01% (18/281098) total alleles studied. The highest observed frequency was 0.04% (13/35374) of Latino alleles. This variant has been identified in the homozygous state and/or in conjunction with other SGSH variant(s) in individual(s) with features consistent with mucopolysaccharidosis type IIIA (Blanch, 1997; Chabas, 2001; Matalonga, 2014; Shapiro, 2016; Zanetti, 2019; Ambry internal data). This amino acid position is highly conserved in available vertebrate species. Based on internal structural analysis, E447K is deleterious and moderately destabilizing to the local structure (Sidhu, 2014). This alteration is predicted to be deleterious by in silico analysis. Based on the available evidence, this alteration is classified as pathogenic.

CeGaT Center for Human Genetics Tuebingen
Classification: Likely pathogenic. Last evaluated: 2026-01-01. Review status: criteria provided, single submitter. Criteria: CeGaT Center For Human Genetics Tuebingen Variant Classification Criteria Version 2. Collection method: clinical testing. Allele origin: germline. Affected: yes. Observed: 1 variant allele.
Comment: SGSH: PM3:Strong, PM2

Labcorp Genetics (formerly Invitae), Labcorp
Classification: Pathogenic for Mucopolysaccharidosis, MPS-III-A. Last evaluated: 2025-12-14. Review status: criteria provided, single submitter. Criteria: Invitae Variant Classification Sherloc (09022015). Collection method: clinical testing. Allele origin: germline.
Comment: This sequence change replaces glutamic acid, which is acidic and polar, with lysine, which is basic and polar, at codon 447 of the SGSH protein (p.Glu447Lys). This variant is present in population databases (rs104894639, gnomAD 0.04%). This missense change has been observed in individual(s) with mucopolysaccharidosis (MPS) type IIIA (PMID: 9158154, 19099774, 26787381; internal data). In at least one individual the data is consistent with being in trans (on the opposite chromosome) from a pathogenic variant. ClinVar contains an entry for this variant (Variation ID: 5114). Invitae Evidence Modeling of protein sequence and biophysical properties (such as structural, functional, and spatial information, amino acid conservation, physicochemical variation, residue mobility, and thermodynamic stability) indicates that this missense variant is expected to disrupt SGSH protein function with a positive predictive value of 95%. For these reasons, this variant has been classified as Pathogenic.

Variantyx, Inc.
Classification: Pathogenic for Mucopolysaccharidosis, MPS-III-A. Last evaluated: 2025-12-09. Review status: criteria provided, single submitter. Criteria: Variantyx Assertion Criteria 2022. Collection method: clinical testing. Allele origin: germline. Inheritance: Autosomal recessive inheritance. Affected: yes.
Comment: This is a nonsynonymous variant in the SGSH gene (OMIM: 605270). Pathogenic variants in this gene have been associated with autosomal recessive mucopolysaccharidosis type IIIA (Sanfilippo A). This variant has been reported in the homozygous or compound heterozygous state in several unrelated affected individuals (PMID: 21228398, 9158154, 25807448, 30809705, 24347096, 11343308) (PM3_Strong). Functional studies have shown that this variant alters SGSH protein function (PMID: 24816101) (PS3_Moderate), and multiple computational algorithms predict a deleterious effect for this substitution (PP3). Mo-reover, the variant lies within a critical functional domain of the SGSH protein (PM1_Supporting). This variant has a 0.0300% maximum allele frequency in non-founder control populations (PM2). Based on the current evidence, this variant is classified as pathogenic for autosomal recessive mucopolysaccharidosis type IIIA.

Victorian Clinical Genetics Services, Murdoch Childrens Research Institute
Classification: Pathogenic for Mucopolysaccharidosis, MPS-III-A. Last evaluated: 2025-12-09. Review status: criteria provided, single submitter. Criteria: ACMG Guidelines, 2015. Collection method: clinical testing. Allele origin: germline. Affected: no.
Comment: This variant is classified as Pathogenic. Evidence in support of pathogenic classification: Variant is present in gnomAD <0.01 for a recessive condition (v4: 38 heterozygote(s), 0 homozygote(s)); This variant has strong previous evidence of pathogenicity in unrelated individuals. This variant has been classified as pathogenic and likely pathogenic multiple times by clinical laboratories (ClinVar); Missense variant predicted to be damaging by in silico tool(s) or highly conserved with a major amino acid change. Additional information: Variant is predicted to result in a missense amino acid change from Glu to Lys; This gene is associated with autosomal recessive disease; Alternative amino acid change(s) at the same position are present in gnomAD (highest allele count: v4: 1 heterozygote(s), 0 homozygote(s)); Variant is located in the annotated N-sulphoglucosamine sulphohydrolase, C-terminal domain (DECIPHER); Loss of function is a known mechanism of disease in this gene and is associated with mucopolysaccharidosis type IIIA (Sanfilippo A) (MIM#252900).

Natera, Inc.
Classification: Pathogenic for Mucopolysaccharidosis type IIIA. Last evaluated: 2025-09-16. Review status: criteria provided, single submitter. Criteria: Natera Variant Classification Schema (03/2026). Collection method: clinical testing. Allele origin: germline.
Comment: The c.1339G>A variant in SGSH is a missense variant predicted to cause substitution of glutamic acid to lysine at amino acid 447. This variant is rare in the general population with a frequency below the threshold expected for the associated phenotype(s). This variant has been observed in one or more individuals affected with the associated recessive disease, as either homozygous or compound heterozygous with a second variant (PMID: 11343308, 30809705, 26787381, 9158154). Additionally, this variant has been observed to segregate in affected family members (PMID: 26787381). Computational prediction algorithms indicate this variant is likely to affect gene or protein function. Given the available evidence, this variant is classified as Pathogenic.

3billion
Classification: Pathogenic for Mucopolysaccharidosis, MPS-III-A. Last evaluated: 2025-05-19. Review status: criteria provided, single submitter. Criteria: ACMG Guidelines, 2015. Collection method: clinical testing. Allele origin: germline. Affected: yes.
Comment: The variant is observed at an extremely low frequency in the gnomAD v4.1.0 dataset (total allele frequency: 0.002%). Predicted Consequence/Location: Missense variant In silico tool predictions suggest damaging effect of the variant on gene or gene product [REVEL: 0.91 (>=0.6, sensitivity 0.68 and specificity 0.92)]. The same nucleotide change resulting in the same amino acid change has been previously reported as pathogenic/likely pathogenic with strong evidence (ClinVar ID: VCV000005114 /PMID: 9158154 /3billion dataset). The variant has been reported to be in trans with a pathogenic variant as either compound heterozygous or homozygous in at least one similarly affected unrelated individual (PMID: 9158154). A different missense change at the same codon (p.Glu447Gly) has been reported to be associated with SGSH-related disorder (ClinVar ID: VCV002918842). Therefore, this variant is classified as Pathogenic according to the recommendation of ACMG/AMP guideline.